The following is an entry in ClinVar:

NM_022489.4(INF2):c.3057T>C (p.Pro1019=)

Gene: INF2 (inverted formin 2; plus strand). Cytogenetic location: 14q32.33.
Variant type: single nucleotide variant.
Coding change: c.3057T>C on transcript NM_022489.4 (MANE Select); coding-DNA position 3057, T replaced by C.
Protein change: p.Pro1019=; no amino-acid change (proline 1019 retained).
Molecular consequence: synonymous variant.
Genome position (GRCh38, 1-based): chr14:104,714,219, T>C. VCF-style: chr14-104714219-T-C. GRCh37 (hg19) VCF-style: chr14-105180556-T-C.
Other names: c.3057T>C, p.Pro1019= (NM_001031714.4); c.3057T>C (NM_022489.3).
Identifiers: ClinVar variation 1638761 (VCV001638761.10), dbSNP rs770151373, ClinGen allele CA7373168.

ClinVar aggregate classification (germline): Likely benign. Review status: criteria provided, single submitter (1 of 4 stars). 2 submissions from 2 submitters: Likely benign (1). 1 of the submissions does not count toward it. Last evaluated 2025-02-26.

Conditions:
INF2-related disorder. Also called: INF2-related condition.
Charcot-Marie-Tooth disease dominant intermediate E. Also called: CHARCOT-MARIE-TOOTH NEUROPATHY WITH FOCAL SEGMENTAL GLOMERULONEPHRITIS. Identifiers: Orphanet 93114, MedGen C4302667, MONDO:0013758, OMIM 614455.
Focal segmental glomerulosclerosis 5 (FSGS5). Identifiers: Orphanet 656, MedGen C2750475, MONDO:0013191, OMIM 613237.

Allele frequency attached by ClinVar (database versions not stated): gnomAD exomes 0.00002; gnomAD 0.00003 and 0.00004; TOPMed 0.00003.
gnomAD v4.1: 35 of 1,546,082 alleles (0.0023%); highest among the groups gnomAD compares: Non-Finnish European, 0.003%; no homozygotes.

Submissions (2):

Labcorp Genetics (formerly Invitae), Labcorp
Classification: Likely benign for Charcot-Marie-Tooth disease dominant intermediate E; Focal segmental glomerulosclerosis 5. Last evaluated: 2025-02-26. Review status: criteria provided, single submitter. Criteria: Invitae Variant Classification Sherloc (09022015). Collection method: clinical testing. Allele origin: germline.

PreventionGenetics, part of Exact Sciences
Classification: Likely benign for INF2-related condition. Last evaluated: 2019-07-12. Review status: no assertion criteria provided. Collection method: clinical testing. Allele origin: germline. Not counted in ClinVar's aggregate classification.
Comment: This variant is classified as likely benign based on ACMG/AMP sequence variant interpretation guidelines (Richards et al. 2015 PMID: 25741868, with internal and published modifications).